The following is an entry in ClinVar:

ClinVar aggregate classification (germline): Pathogenic. Review status: criteria provided, multiple submitters, no conflicts (2 of 4 stars). 2 submissions from 2 submitters: Pathogenic (2). Last evaluated 2022-06-24.

Conditions:
Cardiomyopathy, dilated, with wooly hair, keratoderma, and tooth agenesis. Also called: Cardiomyopathy, dilated, with woolly hair, keratoderma, and tooth agenesis; Erythrokeratodermia-cardiomyopathy syndrome. Identifiers: Orphanet 476096, Orphanet 65282, MedGen C4014393, MONDO:0014355, OMIM 615821.
Arrhythmogenic cardiomyopathy with wooly hair and keratoderma. Also called: PALMOPLANTAR KERATODERMA WITH LEFT VENTRICULAR CARDIOMYOPATHY AND WOOLLY HAIR; Carvajal syndrome; Arrhythmogenic cardiomyopathy with woolly hair and keratoderma; Dilated cardiomyopathy with woolly hair and keratoderma. Identifiers: Orphanet 65282, MedGen C1854063, MONDO:0011581, OMIM 605676.
Arrhythmogenic right ventricular dysplasia 8 (ARVD8). Also called: Arrhythmogenic Right Ventricular Dysplasia/Cardiomyopathy 8; ARRHYTHMOGENIC RIGHT VENTRICULAR DYSPLASIA, FAMILIAL, 8; ARRHYTHMOGENIC RIGHT VENTRICULAR CARDIOMYOPATHY 8. Identifiers: MedGen C1843896, MONDO:0011831, OMIM 607450.

Submissions (2):

Victorian Clinical Genetics Services, Murdoch Childrens Research Institute
Classification: Pathogenic for Cardiomyopathy, dilated, with wooly hair, keratoderma, and tooth agenesis. Last evaluated: 2022-06-24. Review status: criteria provided, single submitter. Criteria: ACMG Guidelines, 2015. Collection method: clinical testing. Allele origin: germline. Inheritance: Autosomal dominant inheritance. Affected: yes.
Comment: Based on the classification scheme VCGS_Germline_v1.3.4, this variant is classified as Pathogenic. Following criteria are met: 0102 - Loss of function is a known mechanism of disease in this gene and is associated with ARVC (MIM#607450) and other DSP-related cardiac disorders. (I) 0108 - This gene is associated with both recessive and dominant disease. Variants in this gene are usually inherited in a dominant manner, however rare reports of recessive inheritance have resulted in a more severe cardiac phenotype (OMIM). (I) 0115 - Variants in this gene are known to have variable expressivity. Age-dependent penetrance and variable expressivity are well-described aspects of arrhythmogenic cardiomyopathy (PMID: 29062697). (I) 0205 - Variant is predicted to result in a truncated protein (premature termination codon is NOT located at least 54 nucleotides upstream of the final exon-exon junction) with less than 1/3 of the protein sequence affected. (SP) 0251 - This variant is heterozygous. (I) 0301 - Variant is absent from gnomAD (both v2 and v3). (SP) 0604 - Variant is not located in an established domain, motif, hotspot or informative constraint region. (I) 0701 - Other truncating variants comparable to the one identified in this case have very strong previous evidence for pathogenicity (ClinVar). (SP) 0802 - This variant has moderate previous evidence of pathogenicity in unrelated individuals. This variant has been reported as pathogenic in ClinVar. It has also been reported in two individuals with arrhythmogenic right ventricular cardiomyopathy (PMID: 28527814, 27532257). (I) Legend: (SP) - Supporting pathogenic, (I) - Information, (SB) - Supporting benign

Labcorp Genetics (formerly Invitae), Labcorp
Classification: Pathogenic for Arrhythmogenic cardiomyopathy with wooly hair and keratoderma; Arrhythmogenic right ventricular dysplasia 8. Last evaluated: 2019-10-29. Review status: criteria provided, single submitter. Criteria: Invitae Variant Classification Sherloc (09022015). Collection method: clinical testing. Allele origin: germline.
Comment: This variant is not present in population databases (ExAC no frequency). For these reasons, this variant has been classified as Pathogenic. This sequence change results in a premature translational stop signal in the DSP gene (p.Lys2693Profs*3). While this is not anticipated to result in nonsense mediated decay, it is expected to disrupt the last 179 amino acids of the DSP protein. This variant has been observed in individual(s) with arrhythmogenic right ventricular cardiomyopathy (PMID: 28527814, 27532257). ClinVar contains an entry for this variant (Variation ID: 246676). This variant disrupts the C-terminus of the DSP protein. Other variant(s) that disrupt this region (p.Glu2728Glyfs*11) have been determined to be pathogenic (Invitae). This suggests that variants that disrupt this region of the protein are likely to be causative of disease.

Literature cited by the submitters: PubMed 27532257 (cited by Victorian Clinical Genetics Services, Murdoch Childrens Research Institute and Labcorp Genetics (formerly Invitae), Labcorp); PubMed 28527814 (cited by Victorian Clinical Genetics Services, Murdoch Childrens Research Institute and Labcorp Genetics (formerly Invitae), Labcorp); PubMed 29062697 (cited by Victorian Clinical Genetics Services, Murdoch Childrens Research Institute).

NM_004415.4(DSP):c.8077_8080del (p.Lys2693fs)

Gene: DSP (desmoplakin; plus strand). Cytogenetic location: 6p24.3.
Variant type: Deletion.
Coding change: c.8077_8080del on transcript NM_004415.4 (MANE Select); coding-DNA positions 8077 to 8080, 4 bases deleted (AAAG; older notation c.8077_8080delAAAG).
Protein change: p.Lys2693fs; shifts the reading frame from lysine 2693.
Molecular consequence: frameshift variant.
Genome position (GRCh38, 1-based): chr6:7,585,339-7,585,342, AAAG deleted; deleting any 4 consecutive bases within chr6:7,585,337-7,585,342 gives the same sequence; the c. name uses the placement nearest the transcript's 3' end. VCF-style (leftmost placement, unchanged base first): chr6-7585336-CAGAA-C. GRCh37 (hg19) VCF-style: chr6-7585569-CAGAA-C.
Other names: c.8077_8080del (NM_004415.2, LRG_423t1); c.6280_6283del, p.Lys2094fs (NM_001008844.3); c.6748_6751del, p.Lys2250fs (NM_001319034.2); short protein forms K2094fs, K2250fs, K2693fs.
Identifiers: ClinVar variation 246676 (VCV000246676.12), dbSNP rs879254352, ClinGen allele CA10584684.
Genomic context (GRCh38, chr6:7,585,336, plus strand): 5'-CAGGACGCAGTCTCCCAGGGTGTGATTGACCAAGACATGGCCACCAGGCTGAAGCCTGCT[CAGAA>C]AGCCTTCATAGGCTTCGAGGGTGTGAAGGGAAAGAAGAAGATGTCAGCAGCAGAGGCAGT-3'